The following is an entry in ClinVar:

NM_024577.4(SH3TC2):c.2600A>T (p.Gln867Leu)

Gene: SH3TC2 (SH3 domain and tetratricopeptide repeats 2; minus strand). Cytogenetic location: 5q32.
Variant type: single nucleotide variant.
Coding change: c.2600A>T on transcript NM_024577.4 (MANE Select); coding-DNA position 2600, A replaced by T.
Protein change: p.Gln867Leu; replaces glutamine 867 with leucine.
Molecular consequence: missense variant.
Genome position (GRCh38, 1-based): chr5:149,027,132, T>A on the plus strand (A>T on the coding strand, the complement: SH3TC2 is on the minus strand). VCF-style: chr5-149027132-T-A. GRCh37 (hg19) VCF-style: chr5-148406695-T-A.
Other names: short protein forms Q867L.
Identifiers: ClinVar variation 1793671 (VCV001793671.7), dbSNP rs775135582, ClinGen allele CA3498961.

ClinVar aggregate classification (germline): Uncertain significance. Review status: criteria provided, multiple submitters, no conflicts (2 of 4 stars). 2 submissions from 2 submitters: Uncertain significance (2). Last evaluated 2022-06-21.

Conditions:
Charcot-Marie-Tooth disease type 4. Also called: Charcot-Marie-Tooth, Type 4; Charcot-Marie-Tooth disease, type IV. Identifiers: Orphanet 64749, MedGen C4082197, MONDO:0018995.
Inborn genetic diseases. Identifiers: MedGen C0950123, MeSH D030342.

Allele frequency attached by ClinVar (database versions not stated): gnomAD exomes 0.00001; ExAC 0.00001.
gnomAD v4.1: 11 of 1,614,168 alleles (0.00068%); highest among the groups gnomAD compares: Non-Finnish European, 0.00093%; no homozygotes.

Submissions (2):

Labcorp Genetics (formerly Invitae), Labcorp
Classification: Uncertain significance for Charcot-Marie-Tooth disease type 4. Last evaluated: 2022-06-21. Review status: criteria provided, single submitter. Criteria: Invitae Variant Classification Sherloc (09022015). Collection method: clinical testing. Allele origin: germline.
Comment: In summary, the available evidence is currently insufficient to determine the role of this variant in disease. Therefore, it has been classified as a Variant of Uncertain Significance. Advanced modeling of protein sequence and biophysical properties (such as structural, functional, and spatial information, amino acid conservation, physicochemical variation, residue mobility, and thermodynamic stability) performed at Invitae indicates that this missense variant is not expected to disrupt SH3TC2 protein function. This variant has not been reported in the literature in individuals affected with SH3TC2-related conditions. This variant is present in population databases (rs775135582, gnomAD 0.0009%). This sequence change replaces glutamine, which is neutral and polar, with leucine, which is neutral and non-polar, at codon 867 of the SH3TC2 protein (p.Gln867Leu).

Ambry Genetics
Classification: Uncertain significance for Inborn genetic diseases. Last evaluated: 2020-01-09. Review status: criteria provided, single submitter. Criteria: Ambry Variant Classification Scheme 2023. Collection method: clinical testing. Allele origin: germline.
Comment: The p.Q867L variant (also known as c.2600A>T), located in coding exon 11 of the SH3TC2 gene, results from an A to T substitution at nucleotide position 2600. The glutamine at codon 867 is replaced by leucine, an amino acid with dissimilar properties. This amino acid position is poorly conserved in available vertebrate species. In addition, the in silico prediction for this alteration is inconclusive. Since supporting evidence is limited at this time, the clinical significance of this alteration remains unclear.